The following is an entry in ClinVar:

NM_000303.3(PMM2):c.*7A>G

Gene: PMM2 (phosphomannomutase 2; plus strand). Cytogenetic location: 16p13.2.
Variant type: single nucleotide variant.
Coding change: c.*7A>G on transcript NM_000303.3 (MANE Select); 7 bases downstream of the stop codon, A replaced by G.
Molecular consequence: 3 prime UTR variant.
Genome position (GRCh38, 1-based): chr16:8,847,832, A>G. VCF-style: chr16-8847832-A-G. GRCh37 (hg19) VCF-style: chr16-8941689-A-G.
Identifiers: ClinVar variation 977120 (VCV000977120.2), dbSNP rs2060938199, ClinGen allele CA493489409.

ClinVar aggregate classification (germline): drug response (0 of 4 stars; one submission).

Conditions:
Corticosteroids response. Also called: Corticosteroid response.

Submission:

Genetic Testing Lab, Ashok and Rita Patel Institute of Integrated Study and Research in Biotechnology and Allied Sciences
Classification: drug response for Corticosteroid response. Last evaluated: 2020-01-12. Review status: no assertion criteria provided. Collection method: research. Allele origin: somatic. Affected: yes. Observed: 27 variant alleles.
Comment: Depending upon patients response to standard corticosteroids therapy, they were classified to be either Steroid resistance(SRNS) or steroid sensitive(SSNS)